The following is an entry in ClinVar:

NM_005045.4(RELN):c.7963A>G (p.Ile2655Val)

Gene: RELN (reelin; minus strand). Cytogenetic location: 7q22.1.
Variant type: single nucleotide variant.
Coding change: c.7963A>G on transcript NM_005045.4 (MANE Select); coding-DNA position 7963, A replaced by G.
Protein change: p.Ile2655Val; replaces isoleucine 2655 with valine.
Molecular consequence: missense variant.
Genome position (GRCh38, 1-based): chr7:103,515,341, T>C on the plus strand (A>G on the coding strand, the complement: RELN is on the minus strand). VCF-style: chr7-103515341-T-C. GRCh37 (hg19) VCF-style: chr7-103155788-T-C.
Other names: c.7963A>G, p.Ile2655Val (NM_173054.3); short protein forms I2655V.
Identifiers: ClinVar variation 859080 (VCV000859080.10), dbSNP rs1829536442, ClinGen allele CA368763244.

ClinVar aggregate classification (germline): Uncertain significance. Review status: criteria provided, multiple submitters, no conflicts (2 of 4 stars). 2 submissions from 2 submitters: Uncertain significance (2). Last evaluated 2024-06-04.

Conditions:
Familial temporal lobe epilepsy 7. Identifiers: Orphanet 101046, MedGen C4225327, MONDO:0014639, OMIM 616436.
Norman-Roberts syndrome (LIS2). Also called: Lissencephaly 2 (Norman-Roberts type). Identifiers: Orphanet 89844, MedGen C0796089, MONDO:0009760, OMIM 257320.

Allele frequency attached by ClinVar (database versions not stated): TOPMed below 0.00001; gnomAD 0.00001.
gnomAD v4.1: 2 of 1,613,980 alleles (0.00012%); highest among the groups gnomAD compares: African/African-American, 0.0027%; no homozygotes.

Submissions (2):

Labcorp Genetics (formerly Invitae), Labcorp
Classification: Uncertain significance for Familial temporal lobe epilepsy 7; Norman-Roberts syndrome. Last evaluated: 2024-06-04. Review status: criteria provided, single submitter. Criteria: Invitae Variant Classification Sherloc (09022015). Collection method: clinical testing. Allele origin: germline.
Comment: This sequence change replaces isoleucine, which is neutral and non-polar, with valine, which is neutral and non-polar, at codon 2655 of the RELN protein (p.Ile2655Val). This variant is not present in population databases (gnomAD no frequency). This variant has not been reported in the literature in individuals affected with RELN-related conditions. ClinVar contains an entry for this variant (Variation ID: 859080). Advanced modeling of protein sequence and biophysical properties (such as structural, functional, and spatial information, amino acid conservation, physicochemical variation, residue mobility, and thermodynamic stability) performed at Invitae indicates that this missense variant is not expected to disrupt RELN protein function with a negative predictive value of 80%. In summary, the available evidence is currently insufficient to determine the role of this variant in disease. Therefore, it has been classified as a Variant of Uncertain Significance.

New York Genome Center
Classification: Uncertain significance for Familial temporal lobe epilepsy 7. Last evaluated: 2020-07-15. Review status: criteria provided, single submitter. Criteria: NYGC Assertion Criteria 2020. Collection method: clinical testing. Allele origin: inherited. Observed: 1 heterozygote. Study: CSER-NYCKidSeq.